The following is an entry in ClinVar:

ClinVar aggregate classification (germline): Benign/Likely benign. Review status: criteria provided, multiple submitters, no conflicts (2 of 4 stars). 2 submissions from 2 submitters: Benign (1); Likely benign (1). Last evaluated 2025-09-11.

Conditions:
SLIT2-related disorder. Also called: SLIT2-related condition.

Allele frequency attached by ClinVar (database versions not stated): gnomAD 0.00004; TOPMed 0.00012; gnomAD exomes 0.00013 and 0.00030; ExAC 0.00032.
gnomAD v4.1: 86 of 1,604,650 alleles (0.0054%); highest among the groups gnomAD compares: Admixed American, 0.14%; no homozygotes.

Submissions (2):

Labcorp Genetics (formerly Invitae), Labcorp
Classification: Benign. Last evaluated: 2025-09-11. Review status: criteria provided, single submitter. Criteria: Invitae Variant Classification Sherloc (09022015). Collection method: clinical testing. Allele origin: germline.

PreventionGenetics, part of Exact Sciences
Classification: Likely benign for SLIT2-related condition. Last evaluated: 2024-11-12. Review status: criteria provided, single submitter. Criteria: ACMG Guidelines, 2015. Collection method: clinical testing. Allele origin: germline.
Comment: This variant is classified as likely benign based on ACMG/AMP sequence variant interpretation guidelines (Richards et al. 2015 PMID: 25741868, with internal and published modifications).

NM_004787.4(SLIT2):c.1833-6C>T

Gene: SLIT2 (slit guidance ligand 2; plus strand). Cytogenetic location: 4p15.31.
Variant type: single nucleotide variant.
Coding change: c.1833-6C>T on transcript NM_004787.4 (MANE Select); 6 bases into the intron before coding-DNA position 1833, C replaced by T.
Molecular consequence: intron variant.
Genome position (GRCh38, 1-based): chr4:20,539,435, C>T. VCF-style: chr4-20539435-C-T. GRCh37 (hg19) VCF-style: chr4-20541058-C-T.
Other names: c.1821-6C>T (NM_001289135.3); c.1809-6C>T (NM_001289136.3).
Identifiers: ClinVar variation 735410 (VCV000735410.8), dbSNP rs749643197, ClinGen allele CA2871628.
Genomic context (GRCh38, chr4:20,539,435, plus strand): 5'-CTCAGATAGGCAAAATTGATTGCCTGATGCTTTGTCTCCATAACAATGTCCTTTTTTTCC[C>T]CTCAGGATGTTGAGAAGCAATCGAATAACCTGTGTGGGGAATGACAGTTTCATAGGACTC-3'